The following is an entry in ClinVar:

NM_153676.4(USH1C):c.583G>A (p.Val195Met)

Gene: USH1C (USH1 protein network component harmonin; minus strand). Cytogenetic location: 11p15.1.
Variant type: single nucleotide variant.
Coding change: c.583G>A on transcript NM_153676.4 (MANE Select); coding-DNA position 583, G replaced by A.
Protein change: p.Val195Met; replaces valine 195 with methionine.
Molecular consequence: missense variant. On other transcripts: non-coding transcript variant (1).
Genome position (GRCh38, 1-based): chr11:17,526,438, C>T on the plus strand (G>A on the coding strand, the complement: USH1C is on the minus strand). VCF-style: chr11-17526438-C-T. GRCh37 (hg19) VCF-style: chr11-17547985-C-T.
Other names: c.583G>A, p.Val195Met (NM_001297764.2, NM_005709.4); c.583G>A (NM_005709.3); short protein forms V195M.
Identifiers: ClinVar variation 1442829 (VCV001442829.6), dbSNP rs760703501, ClinGen allele CA5904946.

ClinVar aggregate classification (germline): Uncertain significance. Review status: criteria provided, multiple submitters, no conflicts (2 of 4 stars). 2 submissions from 2 submitters: Uncertain significance (2). Last evaluated 2023-12-18.

Allele frequency attached by ClinVar (database versions not stated): gnomAD exomes 0.00001 and 0.00002; TOPMed 0.00001; ExAC 0.00003.
gnomAD v4.1: 20 of 1,613,812 alleles (0.0012%); highest among the groups gnomAD compares: East Asian, 0.0022%; no homozygotes.

Submissions (2):

GeneDx
Classification: Uncertain significance. Last evaluated: 2023-12-18. Review status: criteria provided, single submitter. Criteria: GeneDx Variant Classification Process June 2021. Collection method: clinical testing. Allele origin: germline. Affected: yes.
Comment: Not observed at significant frequency in large population cohorts (gnomAD); In silico analysis supports that this missense variant does not alter protein structure/function; Has not been previously published as pathogenic or benign to our knowledge

Labcorp Genetics (formerly Invitae), Labcorp
Classification: Uncertain significance. Last evaluated: 2022-08-09. Review status: criteria provided, single submitter. Criteria: Invitae Variant Classification Sherloc (09022015). Collection method: clinical testing. Allele origin: germline.
Comment: This sequence change replaces valine, which is neutral and non-polar, with methionine, which is neutral and non-polar, at codon 195 of the USH1C protein (p.Val195Met). This variant is present in population databases (rs760703501, gnomAD 0.006%). This variant has not been reported in the literature in individuals affected with USH1C-related conditions. ClinVar contains an entry for this variant (Variation ID: 1442829). Algorithms developed to predict the effect of missense changes on protein structure and function (SIFT, PolyPhen-2, Align-GVGD) all suggest that this variant is likely to be tolerated. In summary, the available evidence is currently insufficient to determine the role of this variant in disease. Therefore, it has been classified as a Variant of Uncertain Significance.